The following is an entry in ClinVar:

NM_001145358.2(SIN3A):c.2512G>A (p.Glu838Lys)

Gene: SIN3A (SIN3 transcription regulator family member A; minus strand). Cytogenetic location: 15q24.2.
Variant type: single nucleotide variant.
Coding change: c.2512G>A on transcript NM_001145358.2 (MANE Select); coding-DNA position 2512, G replaced by A.
Protein change: p.Glu838Lys; replaces glutamic acid 838 with lysine.
Molecular consequence: missense variant.
Genome position (GRCh38, 1-based): chr15:75,392,581, C>T on the plus strand (G>A on the coding strand, the complement: SIN3A is on the minus strand). VCF-style: chr15-75392581-C-T. GRCh37 (hg19) VCF-style: chr15-75684922-C-T.
Other names: c.2512G>A, p.Glu838Lys (NM_001145357.2, NM_015477.3); short protein forms E838K.
Identifiers: ClinVar variation 3376357 (VCV003376357.2).

ClinVar aggregate classification (germline): Uncertain significance. Review status: criteria provided, multiple submitters, no conflicts (2 of 4 stars). 2 submissions from 2 submitters: Uncertain significance (2). Last evaluated 2026-09-01.

Conditions:
SIN3A-related intellectual disability syndrome due to a point mutation. Also called: 15q24 Microdeletion Syndrome; WITTEVEEN-KOLK SYNDROME. Identifiers: Orphanet 500166, Orphanet 94065, MedGen C4310804, MONDO:0044700, OMIM 613406.

gnomAD v4.1: 1 of 1,614,134 alleles (0.000062%); highest among the groups gnomAD compares: Non-Finnish European, 0.000085%; no homozygotes.

Submissions (2):

CeGaT Center for Human Genetics Tuebingen
Classification: Uncertain significance. Last evaluated: 2026-09-01. Review status: criteria provided, single submitter. Criteria: CeGaT Center For Human Genetics Tuebingen Variant Classification Criteria Version 2. Collection method: clinical testing. Allele origin: germline. Affected: yes. Observed: 1 variant allele.

Pittsburgh Clinical Genomics Laboratory, University of Pittsburgh Medical Center
Classification: Uncertain significance for SIN3A-related intellectual disability syndrome due to a point mutation. Last evaluated: 2024-02-13. Review status: criteria provided, single submitter. Criteria: ACMG Guidelines, 2015. Collection method: clinical testing. Allele origin: germline. Inheritance: Autosomal dominant inheritance. Affected: yes.
Comment: This sequence variant is a single nucleotide substitution (G>A) at position 2512 of the coding sequence of the SIN3A gene that results in a glutamic acid to lysine amino acid change at residue 838 of the SIN3 transcription regulator family member A protein. This variant is absent from ClinVar and has not been observed in individuals affected by a SIN3A-related disorder in the published literature, to our knowledge. This variant is present in 1 of 833100 alleles (0.00012%) in the gnomAD v4.0.0 population dataset. Bioinformatic tools are inconclusive if this amino acid change will be damaging or tolerated, and the Glu838 residue at this position is highly conserved across the vertebrate species examined. Studies examining the functional consequence of this variant have not been published, to our knowledge. There is currently insufficient evidence to determine the pathogenicity of this variant. Therefore, we consider this a variant of uncertain significance. ACMG Criteria: PM2